The following is an entry in ClinVar:

ClinVar aggregate classification (somatic clinical impact): Tier I - Strong. Review status: criteria provided, single submitter (1 of 4 stars). 2 submissions from 1 submitter. Last evaluated 2024-10-21.
ClinVar aggregate classification (oncogenicity): Likely oncogenic (1 of 4 stars; one submission).

Conditions:
Ganglioglioma. Also called: Mixed cell tumors containing both neural ganglionic cells and neural glial cell components. Identifiers: Orphanet 251949, MedGen C0206716, MONDO:0016733, HP:0033664.
Diffuse midline glioma, H3 K27M-mutant. Identifiers: MedGen C4289688, MONDO:0957196.
Neoplasm. Also called: Neoplasms; Neoplasm (disease); tumor. Identifiers: MedGen C0027651, MeSH D009369, MONDO:0005070, HP:0002664.

Submissions (3):

Center for Genomic Medicine, Rigshospitalet, Copenhagen University Hospital
Classification: Likely oncogenic for Neoplasm. Last evaluated: 2025-12-29. Review status: criteria provided, single submitter. Criteria: ClinGen/CGC/VICC Guidelines for Oncogenicity, 2022. Collection method: clinical testing. Allele origin: somatic. Affected: yes.

Institute for Genomic Medicine (IGM) Clinical Laboratory, Nationwide Children's Hospital
Classification: Tier I - Strong for Ganglioglioma. Assertion type: diagnostic. Clinical significance: supports diagnosis. Last evaluated: 2024-10-21. Review status: criteria provided, single submitter. Criteria: AMP/ASCO/CAP Guidelines, 2017. Collection method: clinical testing. Allele origin: somatic. Affected: yes.
Comment: Variant has Tier I (strong) clinical significance as a diagnostic inclusion criterion in ganglioglioma, based on the following evidence: 1) Documented in one or more cancer databases (e.g., St. Jude Pecan, COSMIC, CIViC, OncoKB). 2) Appears in one or more well-established professional guidelines (e.g., World Health Organization [WHO]; National Comprehensive Cancer Network [NCCN]) as providing diagnostic, prognostic, or therapeutic information. 3) Information in the literature supports potential biologic effect of variant (PMIDs: 23539183, 24183680). 4) Diagnostic for a specific tumor type/classification based on well-powered studies with expert-level consensus (Evidence Level B; PMIDs: 32289278, 27984673, 27219822, 28378357).

Institute for Genomic Medicine (IGM) Clinical Laboratory, Nationwide Children's Hospital
Classification: Tier I - Strong for Diffuse midline glioma, H3 K27M-mutant. Assertion type: diagnostic. Clinical significance: supports diagnosis. Last evaluated: 2024-04-12. Review status: criteria provided, single submitter. Criteria: AMP/ASCO/CAP Guidelines, 2017. Collection method: clinical testing. Allele origin: somatic. Affected: yes.
Comment: Variant has Tier I (strong) clinical significance as a diagnostic inclusion criterion in diffuse midline glioma, H3 K27M-mutant, based on the following evidence: 1) Documented in one or more cancer databases (e.g., St. Jude Pecan, COSMIC, CIViC, OncoKB). 2) Appears in one or more well-established professional guidelines (e.g., World Health Organization [WHO]; National Comprehensive Cancer Network [NCCN]) as providing diagnostic, prognostic, or therapeutic information. 3) Information in the literature supports potential biologic effect of variant (PMIDs: 23539183, 24183680). 4) Diagnostic for a specific tumor type/classification according to professional guidelines (Evidence Level A; PMIDs: 26517431, 28966033).

Literature cited by the submitters: PubMed 23603901 (cited by Center for Genomic Medicine, Rigshospitalet, Copenhagen University Hospital); PubMed 23539183 (cited by Center for Genomic Medicine, Rigshospitalet, Copenhagen University Hospital and Institute for Genomic Medicine (IGM) Clinical Laboratory, Nationwide Children's Hospital); PubMed 28522693 (cited by Center for Genomic Medicine, Rigshospitalet, Copenhagen University Hospital); PubMed 22286061 (cited by Center for Genomic Medicine, Rigshospitalet, Copenhagen University Hospital); PubMed 24183680 (cited by Institute for Genomic Medicine (IGM) Clinical Laboratory, Nationwide Children's Hospital); PubMed 32289278 (cited by Institute for Genomic Medicine (IGM) Clinical Laboratory, Nationwide Children's Hospital); PubMed 27984673 (cited by Institute for Genomic Medicine (IGM) Clinical Laboratory, Nationwide Children's Hospital); PubMed 27219822 (cited by Institute for Genomic Medicine (IGM) Clinical Laboratory, Nationwide Children's Hospital); PubMed 28378357 (cited by Institute for Genomic Medicine (IGM) Clinical Laboratory, Nationwide Children's Hospital); PubMed 26517431 (cited by Institute for Genomic Medicine (IGM) Clinical Laboratory, Nationwide Children's Hospital); PubMed 28966033 (cited by Institute for Genomic Medicine (IGM) Clinical Laboratory, Nationwide Children's Hospital).

NM_002107.7(H3-3A):c.83A>T (p.Lys28Met)

Gene: H3-3A (H3.3 histone A; plus strand). Cytogenetic location: 1q42.12.
Variant type: single nucleotide variant.
Coding change: c.83A>T on transcript NM_002107.7 (MANE Select); coding-DNA position 83, A replaced by T.
Protein change: p.Lys28Met; replaces lysine 28 with methionine.
Molecular consequence: missense variant.
Genome position (GRCh38, 1-based): chr1:226,064,434, A>T. VCF-style: chr1-226064434-A-T. GRCh37 (hg19) VCF-style: chr1-226252135-A-T.
Other names: c.83A>T, p.Lys28Met (NM_001379043.1, NM_001379045.1, NM_001379046.1 and 1 more transcripts); short protein forms K28M.
Identifiers: ClinVar variation 4530459 (VCV004530459.2), dbSNP rs1057519903.